The following is an entry in ClinVar:

NM_032217.5(ANKRD17):c.7214C>A (p.Ser2405Ter)

Gene: ANKRD17 (ankyrin repeat domain 17; minus strand). Cytogenetic location: 4q13.3.
Variant type: single nucleotide variant.
Coding change: c.7214C>A on transcript NM_032217.5 (MANE Select); coding-DNA position 7214, C replaced by A.
Protein change: p.Ser2405Ter; replaces serine 2405 with a stop codon.
Molecular consequence: nonsense.
Genome position (GRCh38, 1-based): chr4:73,078,836, G>T on the plus strand (C>A on the coding strand, the complement: ANKRD17 is on the minus strand). VCF-style: chr4-73078836-G-T. GRCh37 (hg19) VCF-style: chr4-73944553-G-T.
Other names: c.6875C>A, p.Ser2292Ter (NM_001286771.3); c.7211C>A, p.Ser2404Ter (NM_015574.2); c.6461C>A, p.Ser2154Ter (NM_198889.3); short protein forms S2154*, S2292*, S2404*, S2405*.
Identifiers: ClinVar variation 4681185 (VCV004681185.1).
Genomic context (GRCh38, chr4:73,078,836, plus strand): 5'-ACTGGAACTTTCCTGTCCTGAGACACATTGCTGGGCTTTTCTGACCCTAACGGTACTGAT[G>T]ATGGGGCAGGAGATGGTGCACGAACTCCCGAGGATACTGACTGTGCAGAAGAATCTAGAG-3'

ClinVar aggregate classification (germline): Likely pathogenic (1 of 4 stars; one submission).

Conditions:
Chopra-Amiel-Gordon syndrome (CAGS). Also called: ANKRD17-Related Neurodevelopmental Syndrome. Identifiers: MedGen C5561975, MONDO:0859186, OMIM 619504.

Submission:

Molecular Genetics Laboratory, Motol Hospital
Classification: Likely pathogenic for Chopra-Amiel-Gordon syndrome. Last evaluated: 2025-12-31. Review status: criteria provided, single submitter. Criteria: ACMG Guidelines, 2015. Collection method: clinical testing. Allele origin: de novo. Inheritance: Sporadic. Affected: yes. Observed: 1 heterozygote.
Comment: Not present in gnomAD (v4.1.0), dbSNP, ClinVar, LOVD. Rare de novo loss-of-function in the ANKRD17 gene are associated with autosomal dominant Chopra-Amiel-Gordon syndrome (CAGS, MIM:619504). To conclude, the variant c.7214C>A is classified as (likely) pathogenic. ACMG: PVS1, PM2, PS2/PM6.

Literature cited by the submitters: PubMed 33909992; NCBI Bookshelf NBK588029.